The following is an entry in ClinVar:

ClinVar aggregate classification (germline): Uncertain significance (1 of 4 stars; one submission).

Conditions:
Developmental and epileptic encephalopathy, 53. Also called: Epileptic encephalopathy, early infantile, 53. Identifiers: MedGen C4479313, MONDO:0033362, OMIM 617389.
Early-onset Parkinson disease 20. Also called: PARKINSON DISEASE 20, AUTOSOMAL RECESSIVE EARLY-ONSET. Identifiers: Orphanet 391411, MedGen C3809824, MONDO:0014233, OMIM 615530.

Allele frequency attached by ClinVar (database versions not stated): gnomAD exomes below 0.00001 and 0.00002; gnomAD 0.00001.
gnomAD v4.1: 22 of 1,604,708 alleles (0.0014%); highest among the groups gnomAD compares: Non-Finnish European, 0.0019%; no homozygotes.

Submission:

Labcorp Genetics (formerly Invitae), Labcorp
Classification: Uncertain significance for Developmental and epileptic encephalopathy, 53; Early-onset Parkinson disease 20. Last evaluated: 2021-09-01. Review status: criteria provided, single submitter. Criteria: Invitae Variant Classification Sherloc (09022015). Collection method: clinical testing. Allele origin: germline.
Comment: This sequence change replaces asparagine with serine at codon 1000 of the SYNJ1 protein (p.Asn1000Ser). The asparagine residue is weakly conserved and there is a small physicochemical difference between asparagine and serine. This variant is not present in population databases (ExAC no frequency). This variant has not been reported in the literature in individuals affected with SYNJ1-related conditions. Algorithms developed to predict the effect of missense changes on protein structure and function (SIFT, PolyPhen-2, Align-GVGD) all suggest that this variant is likely to be tolerated. In summary, the available evidence is currently insufficient to determine the role of this variant in disease. Therefore, it has been classified as a Variant of Uncertain Significance.

NM_203446.3(SYNJ1):c.2882A>G (p.Asn961Ser)

Gene: SYNJ1 (synaptojanin 1; minus strand). Cytogenetic location: 21q22.11.
Variant type: single nucleotide variant.
Coding change: c.2882A>G on transcript NM_203446.3 (MANE Select); coding-DNA position 2882, A replaced by G.
Protein change: p.Asn961Ser; replaces asparagine 961 with serine.
Molecular consequence: missense variant.
Genome position (GRCh38, 1-based): chr21:32,650,339, T>C on the plus strand (A>G on the coding strand, the complement: SYNJ1 is on the minus strand). VCF-style: chr21-32650339-T-C. GRCh37 (hg19) VCF-style: chr21-34022649-T-C.
Other names: c.2882A>G, p.Asn961Ser (NM_001160302.2); c.2867A>G, p.Asn956Ser (NM_001160306.2); c.2999A>G, p.Asn1000Ser (NM_003895.4); short protein forms N1000S, N956S, N961S.
Identifiers: ClinVar variation 478338 (VCV000478338.6), dbSNP rs754401787, ClinGen allele CA319424147.
Genomic context (GRCh38, chr21:32,650,339, plus strand): 5'-ATTTCTTCTTCCAAATTTTTGATCCAGTCTGGACTTTTTAAAGCAATAGTTATAGTCCGA[T>C]TCAATAACTAGCGGAGTAAAAGAGATATAAAATAAAGATTAACATGAAAGCTAACTAATT-3'
Protein context (NP_982271.3, residues 951-971): VLSLNGKELL[Asn961Ser]RTITIALKSP